The following is an entry in ClinVar:

ClinVar aggregate classification (germline): Uncertain significance (1 of 4 stars; one submission).

Conditions:
Immunodeficiency, common variable, 7. Identifiers: Orphanet 1572, Orphanet 696894, MedGen C3542922, MONDO:0013862, OMIM 614699.

Submission:

Next Generation Genetic Polyclinic
Classification: Uncertain significance for Immunodeficiency, common variable, 7. Last evaluated: 2025-04-16. Review status: criteria provided, single submitter. Criteria: ACMG Guidelines, 2015. Collection method: clinical testing. Allele origin: germline. Affected: yes. Observed: 1 variant allele.
Comment: A novel variant in the CR2 gene (c.1777T>G) was identified by clinical testing in a homozygous state. In silico tools predict a deleterious effect, but the variant is novel with no population frequency data available. Sanger sequencing confirmed variant presence. The clinical significance remains uncertain and is currently classified as a Variant of Uncertain Significance (VUS).

NM_001006658.3(CR2):c.1777T>G (p.Cys593Gly)

Gene: CR2 (complement C3d receptor 2; plus strand). Cytogenetic location: 1q32.2.
Variant type: single nucleotide variant.
Coding change: c.1777T>G on transcript NM_001006658.3 (MANE Select); coding-DNA position 1777, T replaced by G.
Protein change: p.Cys593Gly; replaces cysteine 593 with glycine.
Molecular consequence: missense variant.
Genome position (GRCh38, 1-based): chr1:207,472,978, T>G. VCF-style: chr1-207472978-T-G. GRCh37 (hg19) VCF-style: chr1-207646323-T-G.
Other names: c.1777T>G, p.Cys593Gly (NM_001877.5); short protein forms C593G.
Identifiers: ClinVar variation 4071534 (VCV004071534.1).